The following is an entry in ClinVar:

ClinVar aggregate classification (germline): Benign. Review status: criteria provided, multiple submitters, no conflicts (2 of 4 stars). 5 submissions from 4 submitters: Benign (5). Last evaluated 2026-02-01.

Conditions:
Galloway-Mowat syndrome 8. Identifiers: MedGen C5193045, MONDO:0032693, OMIM 618349.
Nephrotic syndrome, type 18. Identifiers: MedGen C4748549, MONDO:0032581, OMIM 618177.

Allele frequency attached by ClinVar (database versions not stated): 1000 Genomes Project 0.00998; 1000 Genomes Project 30x 0.01187; ExAC 0.01641; gnomAD 0.01644 and 0.01665; gnomAD exomes 0.01681; TOPMed 0.01703; ESP Exome Variant Server 0.01791.
gnomAD v4.1: 33,898 of 1,613,576 alleles (2.1%); highest among the groups gnomAD compares: Middle Eastern, 3.2%; 435 homozygotes.

Submissions (5):

Labcorp Genetics (formerly Invitae), Labcorp
Classification: Benign. Last evaluated: 2026-02-01. Review status: criteria provided, single submitter. Criteria: Invitae Variant Classification Sherloc (09022015). Collection method: clinical testing. Allele origin: germline.

Mayo Clinic Laboratories, Mayo Clinic
Classification: Benign. Last evaluated: 2024-10-09. Review status: criteria provided, single submitter. Criteria: ACMG Guidelines, 2015. Collection method: clinical testing. Allele origin: germline. Observed: 4 variant alleles.
Comment: BS1, BS2, BP4, BP7

Genome-Nilou Lab
Classification: Benign for Galloway-Mowat syndrome 8. Last evaluated: 2021-09-05. Review status: criteria provided, single submitter. Criteria: ACMG Guidelines, 2015. Collection method: clinical testing. Allele origin: germline. Affected: no.

Genome-Nilou Lab
Classification: Benign for Nephrotic syndrome, type 18. Last evaluated: 2021-09-05. Review status: criteria provided, single submitter. Criteria: ACMG Guidelines, 2015. Collection method: clinical testing. Allele origin: germline. Affected: no.

Breakthrough Genomics
Classification: Benign. Review status: criteria provided, single submitter. Criteria: ACMG Guidelines, 2015. Collection method: not provided. Allele origin: germline. Inheritance: Autosomal recessive inheritance. Affected: yes.

NM_018230.3(NUP133):c.1263C>T (p.Asn421=)

Gene: NUP133 (nucleoporin 133; minus strand). Cytogenetic location: 1q42.13.
Variant type: single nucleotide variant.
Coding change: c.1263C>T on transcript NM_018230.3 (MANE Select); coding-DNA position 1263, C replaced by T.
Protein change: p.Asn421=; no amino-acid change (asparagine 421 retained).
Molecular consequence: synonymous variant.
Genome position (GRCh38, 1-based): chr1:229,487,545, G>A on the plus strand (C>T on the coding strand, the complement: NUP133 is on the minus strand). VCF-style: chr1-229487545-G-A. GRCh37 (hg19) VCF-style: chr1-229623292-G-A.
Other names: p.Asn421=.
Identifiers: ClinVar variation 1327014 (VCV001327014.12), dbSNP rs34971259, ClinGen allele CA1443583.